The following is an entry in ClinVar:

ClinVar aggregate classification (germline): Conflicting classifications of pathogenicity. Review status: criteria provided, conflicting classifications (1 of 4 stars). 2 submissions from 2 submitters: Uncertain significance (1); Likely benign (1). Last evaluated 2023-08-08.

Conditions:
Cystic fibrosis (CF). Also called: MUCOVISCIDOSIS. Identifiers: Orphanet 586, MedGen C0010674, MONDO:0009061, OMIM 219700. Disease mechanism: loss of function.

Allele frequency attached by ClinVar (database versions not stated): TOPMed below 0.00001; gnomAD 0.00001.
gnomAD v4.1: 1 of 1,612,506 alleles (0.000062%); highest among the groups gnomAD compares: Non-Finnish European, 0.000085%; no homozygotes.

Submissions (2):

Labcorp Genetics (formerly Invitae), Labcorp
Classification: Likely benign for Cystic fibrosis. Last evaluated: 2023-08-08. Review status: criteria provided, single submitter. Criteria: Invitae Variant Classification Sherloc (09022015). Collection method: clinical testing. Allele origin: germline.

Ambry Genetics
Classification: Uncertain significance for Cystic fibrosis. Last evaluated: 2023-04-20. Review status: criteria provided, single submitter. Criteria: Ambry Variant Classification Scheme 2023. Collection method: clinical testing. Allele origin: germline.
Comment: The c.2587C>T variant (also known as p.L863L), located in coding exon 15 of the CFTR gene, results from a C to T substitution at nucleotide position 2587. This nucleotide substitution does not change the leucine at codon 863. This nucleotide position is well conserved in available vertebrate species. In silico splice site analysis for this alteration is inconclusive. Since supporting evidence is limited at this time, the clinical significance of this alteration remains unclear.

NM_000492.4(CFTR):c.2587C>T (p.Leu863=)

Gene: CFTR (CF transmembrane conductance regulator; plus strand). Cytogenetic location: 7q31.2.
Variant type: single nucleotide variant.
Coding change: c.2587C>T on transcript NM_000492.4 (MANE Select); coding-DNA position 2587, C replaced by T.
Protein change: p.Leu863=; no amino-acid change (leucine 863 retained).
Molecular consequence: synonymous variant.
Genome position (GRCh38, 1-based): chr7:117,595,026, C>T. VCF-style: chr7-117595026-C-T. GRCh37 (hg19) VCF-style: chr7-117235080-C-T.
Identifiers: ClinVar variation 2567872 (VCV002567872.5), dbSNP rs1792099468, ClinGen allele CA457227624.
Genomic context (GRCh38, chr7:117,595,026, plus strand): 5'-GTGACTACATGGAACACATACCTTCGATATATTACTGTCCACAAGAGCTTAATTTTTGTG[C>T]TAATTTGGTGCTTAGTAATTTTTCTGGCAGAGGTAAGAATGTTCTATTGTAAAGTATTAC-3'
Protein context (NP_000483.3, residues 853-873): ITVHKSLIFV[Leu863=]IWCLVIFLAE